The following is an entry in ClinVar:

ClinVar aggregate classification (germline): Uncertain significance (1 of 4 stars; one submission).

Conditions:
Dilated cardiomyopathy 1J (CMD1J). Also called: CARDIOMYOPATHY, DILATED, WITH SENSORINEURAL HEARING LOSS, AUTOSOMAL DOMINANT. Identifiers: Orphanet 217622, MedGen C1854368, MONDO:0011541, OMIM 605362.

Allele frequency attached by ClinVar (database versions not stated): gnomAD exomes 0.00001.
gnomAD v4.1: 4 of 1,613,758 alleles (0.00025%); highest among the groups gnomAD compares: Admixed American, 0.0067%; no homozygotes.

Submission:

Labcorp Genetics (formerly Invitae), Labcorp
Classification: Uncertain significance for Dilated cardiomyopathy 1J. Last evaluated: 2023-05-11. Review status: criteria provided, single submitter. Criteria: Invitae Variant Classification Sherloc (09022015). Collection method: clinical testing. Allele origin: germline.
Comment: In summary, the available evidence is currently insufficient to determine the role of this variant in disease. Therefore, it has been classified as a Variant of Uncertain Significance. Advanced modeling of protein sequence and biophysical properties (such as structural, functional, and spatial information, amino acid conservation, physicochemical variation, residue mobility, and thermodynamic stability) performed at Invitae indicates that this missense variant is expected to disrupt EYA4 protein function. This variant has not been reported in the literature in individuals affected with EYA4-related conditions. This variant is present in population databases (no rsID available, gnomAD 0.009%). This sequence change replaces cysteine, which is neutral and slightly polar, with glycine, which is neutral and non-polar, at codon 584 of the EYA4 protein (p.Cys584Gly).

NM_004100.5(EYA4):c.1750T>G (p.Cys584Gly)

Genes: EYA4 (EYA transcriptional coactivator and phosphatase 4; plus strand), TARID (TCF21 antisense RNA inducing promoter demethylation; minus strand). Cytogenetic location: 6q23.2.
Variant type: single nucleotide variant.
Coding change: c.1750T>G on transcript NM_004100.5 (MANE Select); coding-DNA position 1750, T replaced by G.
Protein change: p.Cys584Gly; replaces cysteine 584 with glycine.
Molecular consequence: missense variant. On other transcripts: intron variant (3).
Genome position (GRCh38, 1-based): chr6:133,525,165, T>G. VCF-style: chr6-133525165-T-G. GRCh37 (hg19) VCF-style: chr6-133846303-T-G.
Other names: c.1768T>G, p.Cys590Gly (NM_001301013.2); c.1606T>G, p.Cys536Gly (NM_001370459.1); c.1681T>G, p.Cys561Gly (NM_172103.4); c.1839+50T>G (NM_172105.4); c.1770+50T>G (NM_001370458.1); c.1677+50T>G (NM_001301012.2); short protein forms C536G, C561G, C584G, C590G.
Identifiers: ClinVar variation 2895177 (VCV002895177.3), dbSNP rs1171944081, ClinGen allele CA365700463.